The following is an entry in ClinVar:

NM_006269.2(RP1):c.2380G>T (p.Glu794Ter)

Gene: RP1 (RP1 axonemal microtubule associated; plus strand). Cytogenetic location: 8q12.1.
Variant type: single nucleotide variant.
Coding change: c.2380G>T on transcript NM_006269.2 (MANE Select); coding-DNA position 2380, G replaced by T.
Protein change: p.Glu794Ter; replaces glutamic acid 794 with a stop codon.
Molecular consequence: nonsense. On other transcripts: intron variant (1).
Genome position (GRCh38, 1-based): chr8:54,626,262, G>T. VCF-style: chr8-54626262-G-T. GRCh37 (hg19) VCF-style: chr8-55538822-G-T.
Other names: c.787+3974G>T (NM_001375654.1); short protein forms E794*.
Identifiers: ClinVar variation 2098483 (VCV002098483.4), dbSNP rs749195619, ClinGen allele CA370993638.

ClinVar aggregate classification (germline): Pathogenic (1 of 4 stars; one submission).

Submission:

Labcorp Genetics (formerly Invitae), Labcorp
Classification: Pathogenic. Last evaluated: 2022-05-25. Review status: criteria provided, single submitter. Criteria: Invitae Variant Classification Sherloc (09022015). Collection method: clinical testing. Allele origin: germline.
Comment: For these reasons, this variant has been classified as Pathogenic. This variant disrupts the C-terminus of the RP1 protein. Many variants that disrupt this region have been reported in individuals with either autosomal dominant or autosomal recessive retinitis pigmentosa (PMID: 11527933, 19933189, 29425069, 30027431, 33681214). Therefore, variants that disrupt this region are expected to be disease-causing. This premature translational stop signal has been observed in individual(s) with RP1-related conditions (PMID: 33598457). This variant is not present in population databases (gnomAD no frequency). This sequence change creates a premature translational stop signal (p.Glu794*) in the RP1 gene. While this is not anticipated to result in nonsense mediated decay, it is expected to disrupt the last 1363 amino acid(s) of the RP1 protein.

Literature cited by the submitters: PubMed 11527933; PubMed 19933189; PubMed 29425069; PubMed 30027431; PubMed 33681214; PubMed 33598457.